The following is an entry in ClinVar:

ClinVar aggregate classification (germline): Uncertain significance (1 of 4 stars; one submission).

Submission:

Labcorp Genetics (formerly Invitae), Labcorp
Classification: Uncertain significance. Last evaluated: 2023-06-03. Review status: criteria provided, single submitter. Criteria: Invitae Variant Classification Sherloc (09022015). Collection method: clinical testing. Allele origin: germline.
Comment: This sequence change replaces glutamine, which is neutral and polar, with histidine, which is basic and polar, at codon 339 of the DYRK1B protein (p.Gln339His). This variant is not present in population databases (gnomAD no frequency). This variant has not been reported in the literature in individuals affected with DYRK1B-related conditions. Advanced modeling of protein sequence and biophysical properties (such as structural, functional, and spatial information, amino acid conservation, physicochemical variation, residue mobility, and thermodynamic stability) performed at Invitae indicates that this missense variant is not expected to disrupt DYRK1B protein function. In summary, the available evidence is currently insufficient to determine the role of this variant in disease. Therefore, it has been classified as a Variant of Uncertain Significance.

NM_004714.3(DYRK1B):c.1017G>C (p.Gln339His)

Gene: DYRK1B (dual specificity tyrosine phosphorylation regulated kinase 1B; minus strand). Cytogenetic location: 19q13.2.
Variant type: single nucleotide variant.
Coding change: c.1017G>C on transcript NM_004714.3 (MANE Select); coding-DNA position 1017, G replaced by C.
Protein change: p.Gln339His; replaces glutamine 339 with histidine.
Molecular consequence: missense variant.
Genome position (GRCh38, 1-based): chr19:39,827,363, C>G on the plus strand (G>C on the coding strand, the complement: DYRK1B is on the minus strand). VCF-style: chr19-39827363-C-G. GRCh37 (hg19) VCF-style: chr19-40318003-C-G.
Other names: c.1017G>C, p.Gln339His (NM_006483.3, NM_006484.3); short protein forms Q339H.
Identifiers: ClinVar variation 2778357 (VCV002778357.3), dbSNP rs2514833900, ClinGen allele CA405824125.